The following is an entry in ClinVar:

ClinVar aggregate classification (germline): Uncertain significance. Review status: criteria provided, multiple submitters, no conflicts (2 of 4 stars). 2 submissions from 2 submitters: Uncertain significance (2). Last evaluated 2025-10-14.

Conditions:
Van Maldergem syndrome 2 (VMLDS2). Identifiers: Orphanet 314679, MedGen C3809875, MONDO:0014242, OMIM 615546.
Hennekam lymphangiectasia-lymphedema syndrome 2 (HKLLS2). Identifiers: Orphanet 2136, MedGen C4014939, MONDO:0014454, OMIM 616006.

Allele frequency attached by ClinVar (database versions not stated): gnomAD exomes below 0.00001; ExAC 0.00001; gnomAD 0.00001; 1000 Genomes Project 30x 0.00016; 1000 Genomes Project 0.00020.
gnomAD v4.1: 3 of 1,613,984 alleles (0.00019%); highest among the groups gnomAD compares: East Asian, 0.0022%; no homozygotes.

Submissions (2):

Labcorp Genetics (formerly Invitae), Labcorp
Classification: Uncertain significance. Last evaluated: 2025-10-14. Review status: criteria provided, single submitter. Criteria: Invitae Variant Classification Sherloc (09022015). Collection method: clinical testing. Allele origin: germline.
Comment: This sequence change replaces isoleucine, which is neutral and non-polar, with threonine, which is neutral and polar, at codon 2887 of the FAT4 protein (p.Ile2887Thr). The frequency data for this variant in the population databases is considered unreliable, as metrics indicate poor data quality at this position in the gnomAD database. This variant has not been reported in the literature in individuals affected with FAT4-related conditions. ClinVar contains an entry for this variant (Variation ID: 1951080). Invitae Evidence Modeling of protein sequence and biophysical properties (such as structural, functional, and spatial information, amino acid conservation, physicochemical variation, residue mobility, and thermodynamic stability) indicates that this missense variant is not expected to disrupt FAT4 protein function with a negative predictive value of 95%. In summary, the available evidence is currently insufficient to determine the role of this variant in disease. Therefore, it has been classified as a Variant of Uncertain Significance.

Fulgent Genetics
Classification: Uncertain significance for Van Maldergem syndrome 2; Hennekam lymphangiectasia-lymphedema syndrome 2. Last evaluated: 2024-04-12. Review status: criteria provided, single submitter. Criteria: ACMG Guidelines, 2015. Collection method: clinical testing. Allele origin: germline.

NM_001291303.3(FAT4):c.8666T>C (p.Ile2889Thr)

Gene: FAT4 (FAT atypical cadherin 4; plus strand). Cytogenetic location: 4q28.1.
Variant type: single nucleotide variant.
Coding change: c.8666T>C on transcript NM_001291303.3 (MANE Select); coding-DNA position 8666, T replaced by C.
Protein change: p.Ile2889Thr; replaces isoleucine 2889 with threonine.
Molecular consequence: missense variant.
Genome position (GRCh38, 1-based): chr4:125,449,676, T>C. VCF-style: chr4-125449676-T-C. GRCh37 (hg19) VCF-style: chr4-126370831-T-C.
Other names: c.8666T>C, p.Ile2889Thr (NM_001291285.3); c.8660T>C, p.Ile2887Thr (NM_024582.6); c.8660T>C (NM_024582.5); short protein forms I2889T, I2887T.
Identifiers: ClinVar variation 1951080 (VCV001951080.6), dbSNP rs556173799, ClinGen allele CA3073408.
Genomic context (GRCh38, chr4:125,449,676, plus strand): 5'-ACAATGCTCCAAGATTTAGCAGAACTTCCTATTATTTAGATTGCCCTGAACTTACTGAGA[T>C]TGGCTCCAAAGTAACTCAGGTATTTGCAACAGATCCTGATGAGGGATCAAATGGACAAGT-3'
Protein context (NP_001278232.1, residues 2879-2899): YYLDCPELTE[Ile2889Thr]GSKVTQVFAT